The following is an entry in ClinVar:

NM_000088.4(COL1A1):c.3360del (p.Gly1121fs)

Gene: COL1A1 (collagen type I alpha 1 chain; minus strand). Cytogenetic location: 17q21.33.
Variant type: Deletion.
Coding change: c.3360del on transcript NM_000088.4 (MANE Select); coding-DNA position 3360, one base deleted (T; older notation c.3360delT).
Protein change: p.Gly1121fs; shifts the reading frame from glycine 1121.
Molecular consequence: frameshift variant.
Genome position (GRCh38, 1-based): chr17:50,187,885, A deleted on the plus strand (T on the coding strand, the reverse complement: COL1A1 is on the minus strand). VCF-style (leftmost placement, unchanged base first): chr17-50187884-CA-C. GRCh37 (hg19) VCF-style: chr17-48265245-CA-C.
Other names: c.3360delT (NM_000088.3).
Identifiers: ClinVar variation 447144 (VCV000447144.33), dbSNP rs1260429820, ClinGen allele CA658656700.
Genomic context (GRCh38, chr17:50,187,884, plus strand): 5'-CTCCTATCCCACAGCACAGCATGGGGACTGGGGAGGGGCTGAGCATACTTACAGGAGGGC[CA>C]GGGGGACCCTGGAGGCCAGAGAAGCCACGGTGACCCTTTATGCCTCTGTCGCCCTGTTCG-3'

ClinVar aggregate classification (germline): Pathogenic/Likely pathogenic. Review status: criteria provided, multiple submitters, no conflicts (2 of 4 stars). 5 submissions from 5 submitters: Pathogenic (3); Likely pathogenic (1). 1 of the submissions does not count toward it. Last evaluated 2025-12-24.

Conditions:
Osteogenesis imperfecta with normal sclerae, dominant form (OI4). Also called: OSTEOGENESIS IMPERFECTA, TYPE IV, WITH DENTINOGENESIS IMPERFECTA; OSTEOGENESIS IMPERFECTA WITH NORMAL SCLERAE; Osteogenesis Imperfecta Type IV; Osteogenesis imperfecta type 4; Common Variable Osteogenesis Imperfecta with Normal Sclerae. Identifiers: Orphanet 216820, Orphanet 666, MedGen C0268363, MONDO:0008148, OMIM 166220.
Osteogenesis imperfecta type I (OI1). Also called: OI, TYPE I; OSTEOGENESIS IMPERFECTA TARDA; OSTEOGENESIS IMPERFECTA WITH BLUE SCLERAE; Lobstein disease; Osteogenesis imperfecta type 1; Lobstein's Disease. Identifiers: Orphanet 216796, Orphanet 666, MedGen C0023931, MONDO:0008146, OMIM 166200. Disease mechanism: loss of function.

Allele frequency attached by ClinVar (database versions not stated): TOPMed below 0.00001.

Submissions (5):

Labcorp Genetics (formerly Invitae), Labcorp
Classification: Pathogenic for Osteogenesis imperfecta type I. Last evaluated: 2025-12-24. Review status: criteria provided, single submitter. Criteria: Invitae Variant Classification Sherloc (09022015). Collection method: clinical testing. Allele origin: germline.
Comment: This sequence change creates a premature translational stop signal (p.Gly1121Alafs*118) in the COL1A1 gene. It is expected to result in an absent or disrupted protein product. Loss-of-function variants in COL1A1 are known to be pathogenic (PMID: 7942841, 9295084, 9443882). This variant is not present in population databases (gnomAD no frequency). This premature translational stop signal has been observed in individual(s) with osteogenesis imperfecta type I (PMID: 23529829). ClinVar contains an entry for this variant (Variation ID: 447144). For these reasons, this variant has been classified as Pathogenic.

GeneDx
Classification: Pathogenic. Last evaluated: 2025-07-14. Review status: criteria provided, single submitter. Criteria: GeneDx Variant Classification Process June 2021. Collection method: clinical testing. Allele origin: germline. Affected: yes.
Comment: Identified in patients with osteogenesis imperfecta in individuals referred for genetic testing at GeneDx and in published literature (PMID: 23529829, 33939306, 37270749, 36951356); Not observed at significant frequency in large population cohorts (gnomAD); Frameshift variant predicted to result in protein truncation or nonsense mediated decay in a gene for which loss of function is a known mechanism of disease; This variant is associated with the following publications: (PMID: 23529829, 37270749, 36951356, 33939306)

Institute of Human Genetics, University of Leipzig Medical Center
Classification: Likely pathogenic for Osteogenesis imperfecta type I. Last evaluated: 2018-12-13. Review status: criteria provided, single submitter. Criteria: ACMG Guidelines, 2015. Collection method: clinical testing. Allele origin: germline. Affected: yes. Observed: 1 variant allele.

Athena Diagnostics
Classification: Pathogenic. Last evaluated: 2014-08-14. Review status: criteria provided, single submitter. Criteria: Athena Diagnostics Criteria. Collection method: clinical testing. Allele origin: germline.

Clinical Laboratory Sciences Program (CLSP), King Saud bin Abdulaziz University for Health Sciences (KSAU-HS)
Classification: Pathogenic for Osteogenesis imperfecta with normal sclerae, dominant form. Last evaluated: 2023-04-01. Review status: no assertion criteria provided. Collection method: clinical testing. Allele origin: germline. Affected: yes. Not counted in ClinVar's aggregate classification.

Literature cited by the submitters: PubMed 7942841 (cited by Labcorp Genetics (formerly Invitae), Labcorp); PubMed 9295084 (cited by Labcorp Genetics (formerly Invitae), Labcorp); PubMed 9443882 (cited by Labcorp Genetics (formerly Invitae), Labcorp); PubMed 23529829 (cited by Labcorp Genetics (formerly Invitae), Labcorp and Athena Diagnostics).